The following is an entry in ClinVar:

ClinVar aggregate classification (germline): Pathogenic (1 of 4 stars; one submission).

Submission:

Labcorp Genetics (formerly Invitae), Labcorp
Classification: Pathogenic. Last evaluated: 2022-05-08. Review status: criteria provided, single submitter. Criteria: Invitae Variant Classification Sherloc (09022015). Collection method: clinical testing. Allele origin: germline.
Comment: This sequence change creates a premature translational stop signal (p.Leu417Ilefs*2) in the CNGB3 gene. It is expected to result in an absent or disrupted protein product. Loss-of-function variants in CNGB3 are known to be pathogenic (PMID: 28795510). This variant is not present in population databases (gnomAD no frequency). This variant has not been reported in the literature in individuals affected with CNGB3-related conditions. For these reasons, this variant has been classified as Pathogenic.

Literature cited by the submitters: PubMed 28795510.

NM_019098.5(CNGB3):c.1249_1250del (p.Leu417fs)

Gene: CNGB3 (cyclic nucleotide gated channel subunit beta 3; minus strand). Cytogenetic location: 8q21.3.
Variant type: Deletion.
Coding change: c.1249_1250del on transcript NM_019098.5 (MANE Select); coding-DNA positions 1249 to 1250, 2 bases deleted (TT; older notation c.1249_1250delTT).
Protein change: p.Leu417fs; shifts the reading frame from leucine 417.
Molecular consequence: frameshift variant.
Genome position (GRCh38, 1-based): chr8:86,632,822-86,632,823, AA deleted on the plus strand (TT on the coding strand, the reverse complement: CNGB3 is on the minus strand); deleting any 2 consecutive bases within chr8:86,632,822-86,632,824 gives the same sequence; the c. name uses the placement nearest the transcript's 3' end. VCF-style (leftmost placement, unchanged base first): chr8-86632821-TAA-T. GRCh37 (hg19) VCF-style: chr8-87645049-TAA-T.
Other names: short protein forms L417fs.
Identifiers: ClinVar variation 2135311 (VCV002135311.4), dbSNP rs759746961, ClinGen allele CA2580078981.